The following is an entry in ClinVar:

NM_020442.6(VARS2):c.1149G>A (p.Gln383=)

Gene: VARS2 (valyl-tRNA synthetase 2, mitochondrial; plus strand). Cytogenetic location: 6p21.33.
Variant type: single nucleotide variant.
Coding change: c.1149G>A on transcript NM_020442.6 (MANE Select); coding-DNA position 1149, G replaced by A.
Protein change: p.Gln383=; no amino-acid change (glutamine 383 retained).
Molecular consequence: synonymous variant.
Genome position (GRCh38, 1-based): chr6:30,919,832, G>A. VCF-style: chr6-30919832-G-A. GRCh37 (hg19) VCF-style: chr6-30887609-G-A.
Other names: c.729G>A, p.Gln243= (NM_001167733.3); c.1239G>A, p.Gln413= (NM_001167734.2).
Identifiers: ClinVar variation 2193451 (VCV002193451.8), dbSNP rs1171084126, ClinGen allele CA449581168.

ClinVar aggregate classification (germline): Likely benign. Review status: criteria provided, multiple submitters, no conflicts (2 of 4 stars). 2 submissions from 2 submitters: Likely benign (2). Last evaluated 2026-03-01.

Allele frequency attached by ClinVar (database versions not stated): gnomAD exomes below 0.00001; gnomAD 0.00001.
gnomAD v4.1: 3 of 1,586,738 alleles (0.00019%); highest among the groups gnomAD compares: Admixed American, 0.0035%; no homozygotes.

Submissions (2):

CeGaT Center for Human Genetics Tuebingen
Classification: Likely benign. Last evaluated: 2026-03-01. Review status: criteria provided, single submitter. Criteria: CeGaT Center For Human Genetics Tuebingen Variant Classification Criteria Version 2. Collection method: clinical testing. Allele origin: germline. Affected: yes. Observed: 2 variant alleles.
Comment: VARS2: BP4, BP7

Labcorp Genetics (formerly Invitae), Labcorp
Classification: Likely benign. Last evaluated: 2024-10-24. Review status: criteria provided, single submitter. Criteria: Invitae Variant Classification Sherloc (09022015). Collection method: clinical testing. Allele origin: germline.